The following is an entry in ClinVar:

NM_001127178.3(PIGG):c.1585G>A (p.Val529Met)

Gene: PIGG (phosphatidylinositol glycan anchor biosynthesis class G (EMM blood group); plus strand). Cytogenetic location: 4p16.3.
Variant type: single nucleotide variant.
Coding change: c.1585G>A on transcript NM_001127178.3 (MANE Select); coding-DNA position 1585, G replaced by A.
Protein change: p.Val529Met; replaces valine 529 with methionine.
Molecular consequence: missense variant. On other transcripts: 3 prime UTR variant (2), non-coding transcript variant (10).
Genome position (GRCh38, 1-based): chr4:521,912, G>A. VCF-style: chr4-521912-G-A. GRCh37 (hg19) VCF-style: chr4-515701-G-A.
Other names: c.1318G>A, p.Val440Met (NM_001289051.2, NM_001289053.2, NM_001345986.2); c.1186G>A, p.Val396Met (NM_001289052.2); c.*147G>A (NM_001289055.2); c.*200G>A (NM_001289057.2); c.1294G>A, p.Val432Met (NM_001345987.2); c.556G>A, p.Val186Met (NM_001345988.2); c.1585G>A, p.Val529Met (NM_001345989.2); c.52G>A, p.Val18Met (NM_001345990.2, NM_001345991.2); and 3 more; short protein forms V396M, V440M, V163M, V186M, V18M, V521M, V432M, V529M.
Identifiers: ClinVar variation 1035232 (VCV001035232.7), dbSNP rs373234665, ClinGen allele CA2793355.

ClinVar aggregate classification (germline): Conflicting classifications of pathogenicity. Review status: criteria provided, conflicting classifications (1 of 4 stars). 4 submissions from 4 submitters: Uncertain significance (2); Likely benign (2). Last evaluated 2024-11-01.

Conditions:
Inborn genetic diseases. Identifiers: MedGen C0950123, MeSH D030342.
Intellectual disability, autosomal recessive 53 (NEDHSCA). Also called: NEURODEVELOPMENTAL DISORDER WITH OR WITHOUT HYPOTONIA, SEIZURES, AND CEREBELLAR ATROPHY; GLYCOSYLPHOSPHATIDYLINOSITOL BIOSYNTHESIS DEFECT 13; Mental retardation, autosomal recessive 53. Identifiers: Orphanet 488635, MedGen C4310794, MONDO:0014832, OMIM 616917.

Allele frequency attached by ClinVar (database versions not stated): gnomAD 0.00002; gnomAD exomes 0.00002; TOPMed 0.00003; ExAC 0.00004; ESP Exome Variant Server 0.00008.

Submissions (4):

Blueprint Genetics
Classification: Likely benign. Last evaluated: 2024-11-01. Review status: criteria provided, single submitter. Criteria: ACMG Guidelines, 2015. Collection method: clinical testing. Allele origin: germline.

Ambry Genetics
Classification: Likely benign for Inborn genetic diseases. Last evaluated: 2024-02-26. Review status: criteria provided, single submitter. Criteria: Ambry Variant Classification Scheme 2023. Collection method: clinical testing. Allele origin: germline.

Labcorp Genetics (formerly Invitae), Labcorp
Classification: Uncertain significance for Intellectual disability, autosomal recessive 53. Last evaluated: 2022-08-15. Review status: criteria provided, single submitter. Criteria: Invitae Variant Classification Sherloc (09022015). Collection method: clinical testing. Allele origin: germline.
Comment: This sequence change replaces valine, which is neutral and non-polar, with methionine, which is neutral and non-polar, at codon 529 of the PIGG protein (p.Val529Met). This variant is present in population databases (rs373234665, gnomAD 0.004%). This variant has not been reported in the literature in individuals affected with PIGG-related conditions. ClinVar contains an entry for this variant (Variation ID: 1035232). Algorithms developed to predict the effect of missense changes on protein structure and function output the following: SIFT: "Tolerated"; PolyPhen-2: "Benign"; Align-GVGD: "Class C0". The methionine amino acid residue is found in multiple mammalian species, which suggests that this missense change does not adversely affect protein function. In summary, the available evidence is currently insufficient to determine the role of this variant in disease. Therefore, it has been classified as a Variant of Uncertain Significance.

GeneDx
Classification: Uncertain significance. Last evaluated: 2021-09-07. Review status: criteria provided, single submitter. Criteria: GeneDx Variant Classification Process June 2021. Collection method: clinical testing. Allele origin: germline. Affected: yes.
Comment: Not observed at significant frequency in large population cohorts (gnomAD); In silico analysis supports that this missense variant does not alter protein structure/function; Has not been previously published as pathogenic or benign to our knowledge